The following is an entry in ClinVar:

NM_007194.4(CHEK2):c.1476del (p.Arg493fs)

Gene: CHEK2 (checkpoint kinase 2; minus strand). Cytogenetic location: 22q12.1.
Variant type: Deletion.
Coding change: c.1476del on transcript NM_007194.4 (MANE Select); coding-DNA position 1476, one base deleted (G; older notation c.1476delG).
Protein change: p.Arg493fs; shifts the reading frame from arginine 493.
Molecular consequence: frameshift variant.
Genome position (GRCh38, 1-based): chr22:28,689,201, C deleted on the plus strand (G on the coding strand, the reverse complement: CHEK2 is on the minus strand). VCF-style (leftmost placement, unchanged base first): chr22-28689200-TC-T. GRCh37 (hg19) VCF-style: chr22-29085188-TC-T.
Other names: c.1605delG, p.Arg536Glufs (NM_001005735.3); c.813delG, p.Arg272Glufs (NM_001257387.3); c.1275delG, p.Arg426Glufs (NM_001349956.3); c.1389delG, p.Arg464Glufs (NM_145862.3); short protein forms R272fs, R464fs, R493fs, R536fs, R426fs.
Identifiers: ClinVar variation 2452085 (VCV002452085.2), dbSNP rs2473021300, ClinGen allele CA2580099539.

ClinVar aggregate classification (germline): Likely pathogenic (1 of 4 stars; one submission).

Conditions:
Hereditary cancer-predisposing syndrome. Also called: Neoplastic Syndromes, Hereditary; Tumor predisposition; Hereditary neoplastic syndrome; Hereditary Cancer Syndrome. Identifiers: Orphanet 140162, MedGen C0027672, MeSH D009386, MONDO:0015356.

Submission:

Ambry Genetics
Classification: Likely pathogenic for Hereditary cancer-predisposing syndrome. Last evaluated: 2023-02-16. Review status: criteria provided, single submitter. Criteria: Ambry Variant Classification Scheme 2023. Collection method: clinical testing. Allele origin: germline.
Comment: The c.1476delG variant, located in coding exon 13 of the CHEK2 gene, results from a deletion of one nucleotide at nucleotide position 1476, causing a translational frameshift with a predicted alternate stop codon (p.R493Efs*20). This alteration occurs at the 3' terminus of theCHEK2 gene, is not expected to trigger nonsense-mediated mRNA decay, and only impacts the last 51 amino acids of the protein. However, premature stop codons are typically deleterious in nature and the impacted region is critical for protein function (Ambry internal data). This variant is considered to be rare based on population cohorts in the Genome Aggregation Database (gnomAD). Based on the majority of available evidence to date, this variant is likely to be pathogenic.